The following is an entry in ClinVar:

ClinVar aggregate classification (germline): Uncertain significance. Review status: criteria provided, single submitter (1 of 4 stars). 2 submissions from 2 submitters: Uncertain significance (1). 1 of the submissions does not count toward it. Last evaluated 2023-01-15.

Conditions:
3-methylcrotonyl-CoA carboxylase 1 deficiency (MCC1D). Also called: MCCD TYPE 1; METHYLCROTONYLGLYCINURIA TYPE I; MCC 1 deficiency; 3 Alpha methylcrotonylglycinuria 1. Identifiers: Orphanet 6, MedGen CN028786, MONDO:0008861, OMIM 210200.

Allele frequency attached by ClinVar (database versions not stated): gnomAD exomes below 0.00001; TOPMed below 0.00001.
gnomAD v4.1: 20 of 1,614,154 alleles (0.0012%); highest among the groups gnomAD compares: Admixed American, 0.0033%; no homozygotes.

Submissions (2):

Labcorp Genetics (formerly Invitae), Labcorp
Classification: Uncertain significance for 3-methylcrotonyl-CoA carboxylase 1 deficiency. Last evaluated: 2023-01-15. Review status: criteria provided, single submitter. Criteria: Invitae Variant Classification Sherloc (09022015). Collection method: clinical testing. Allele origin: germline.
Comment: In summary, the available evidence is currently insufficient to determine the role of this variant in disease. Therefore, it has been classified as a Variant of Uncertain Significance. Algorithms developed to predict the effect of missense changes on protein structure and function (SIFT, PolyPhen-2, Align-GVGD) all suggest that this variant is likely to be disruptive. ClinVar contains an entry for this variant (Variation ID: 641426). This missense change has been observed in individual(s) with clinical features of 3-methylcrotonyl-CoA carboxylase deficiency (PMID: 31901042). This variant is present in population databases (no rsID available, gnomAD 0.003%). This sequence change replaces alanine, which is neutral and non-polar, with valine, which is neutral and non-polar, at codon 435 of the MCCC1 protein (p.Ala435Val).

Natera, Inc.
Classification: Uncertain significance for 3-methylcrotonyl-CoA carboxylase 1 deficiency. Last evaluated: 2020-12-23. Review status: no assertion criteria provided. Collection method: clinical testing. Allele origin: germline. Not counted in ClinVar's aggregate classification.

Literature cited by the submitters: PubMed 31901042 (cited by Labcorp Genetics (formerly Invitae), Labcorp).

NM_020166.5(MCCC1):c.1304C>T (p.Ala435Val)

Gene: MCCC1 (methylcrotonyl-CoA carboxylase subunit 1; minus strand). Cytogenetic location: 3q27.1.
Variant type: single nucleotide variant.
Coding change: c.1304C>T on transcript NM_020166.5 (MANE Select); coding-DNA position 1304, C replaced by T.
Protein change: p.Ala435Val; replaces alanine 435 with valine.
Molecular consequence: missense variant. On other transcripts: non-coding transcript variant (2).
Genome position (GRCh38, 1-based): chr3:183,039,099, G>A on the plus strand (C>T on the coding strand, the complement: MCCC1 is on the minus strand). VCF-style: chr3-183039099-G-A. GRCh37 (hg19) VCF-style: chr3-182756887-G-A.
Other names: c.953C>T, p.Ala318Val (NM_001293273.2); c.977C>T, p.Ala326Val (NM_001363880.1); short protein forms A318V, A326V, A435V.
Identifiers: ClinVar variation 641426 (VCV000641426.10), dbSNP rs1232970567, ClinGen allele CA355321999.